The following is an entry in ClinVar:

ClinVar aggregate classification (germline): Uncertain significance (1 of 4 stars; one submission).

Submission:

GeneDx
Classification: Uncertain significance. Last evaluated: 2026-03-16. Review status: criteria provided, single submitter. Criteria: GeneDx Variant Classification Process June 2021. Collection method: clinical testing. Allele origin: germline.
Comment: Not observed at significant frequency in large population cohorts (gnomAD); In silico analysis supports that this missense variant has a deleterious effect on protein structure/function; Has not been previously published as pathogenic or benign to our knowledge

NM_015275.3(WASHC4):c.2807G>A (p.Cys936Tyr)

Gene: WASHC4 (WASH complex subunit 4; plus strand). Cytogenetic location: 12q23.3.
Variant type: single nucleotide variant.
Coding change: c.2807G>A on transcript NM_015275.3 (MANE Select); coding-DNA position 2807, G replaced by A.
Protein change: p.Cys936Tyr; replaces cysteine 936 with tyrosine.
Molecular consequence: missense variant.
Genome position (GRCh38, 1-based): chr12:105,156,774, G>A. VCF-style: chr12-105156774-G-A. GRCh37 (hg19) VCF-style: chr12-105550552-G-A.
Other names: c.2810G>A, p.Cys937Tyr (NM_001293640.2); short protein forms C936Y, C937Y.
Identifiers: ClinVar variation 5009245 (VCV005009245.1).